The following is an entry in ClinVar:

NM_001110556.2(FLNA):c.4772C>T (p.Pro1591Leu)

Gene: FLNA (filamin A; minus strand). Cytogenetic location: Xq28.
Variant type: single nucleotide variant.
Coding change: c.4772C>T on transcript NM_001110556.2 (MANE Select); coding-DNA position 4772, C replaced by T.
Protein change: p.Pro1591Leu; replaces proline 1591 with leucine.
Molecular consequence: missense variant.
Genome position (GRCh38, 1-based): chrX:154,357,607, G>A on the plus strand (C>T on the coding strand, the complement: FLNA is on the minus strand). VCF-style: chrX-154357607-G-A. GRCh37 (hg19) VCF-style: chrX-153585975-G-A.
Other names: c.4772C>T, p.Pro1591Leu (NM_001456.4); short protein forms P1591L.
Identifiers: ClinVar variation 658229 (VCV000658229.15), dbSNP rs372729831, ClinGen allele CA10560464.

ClinVar aggregate classification (germline): Conflicting classifications of pathogenicity. Review status: criteria provided, conflicting classifications (1 of 4 stars). 4 submissions from 4 submitters: Uncertain significance (3); Benign (1). Last evaluated 2025-08-22.

Conditions:
Frontometaphyseal dysplasia (FMD1). Identifiers: Orphanet 1826, MedGen C0265293, MONDO:0015942.
Oto-palato-digital syndrome, type II (OPD2). Also called: FACIOPALATOOSSEOUS SYNDROME; Otopalatodigital Syndrome, Type II; Otopalatodigital Syndrome Type 2 (FLNA-OPD2); OPD II SYNDROME. Identifiers: Orphanet 669, Orphanet 90652, MedGen C1844696, MONDO:0010571, OMIM 304120.
Heterotopia, periventricular, X-linked dominant (PVNH1). Also called: PERIVENTRICULAR NODULAR HETEROTOPIA 4; HETEROTOPIA, PERIVENTRICULAR, 1; PERIVENTRICULAR NODULAR HETEROTOPIA 1; X-linked periventricular heterotopia. Identifiers: Orphanet 2149, Orphanet 82004, MedGen C1848213, MONDO:0010233, OMIM 300049.
Melnick-Needles syndrome (MNS). Also called: Melnick-Needles Syndrome (FLNA-MNS); MELNICK-NEEDLES OSTEODYSPLASTY; OSTEODYSPLASTY OF MELNICK AND NEEDLES. Identifiers: Orphanet 2484, MedGen C0025237, MONDO:0010650, OMIM 309350.
Familial thoracic aortic aneurysm and aortic dissection (TAAD). Also called: Thoracic aortic aneurysms and dissections. Identifiers: Orphanet 91387, MedGen C4707243, MONDO:0019625.
Sudden unexplained death in childhood. Identifiers: MedGen C3827273, MONDO:1010117.

Allele frequency attached by ClinVar (database versions not stated): ExAC 0.00001; gnomAD exomes 0.00001; TOPMed 0.00001; ESP Exome Variant Server 0.00010.
gnomAD v4.1: 11 of 1,211,567 alleles (0.00091%); highest among the groups gnomAD compares: East Asian, 0.0059%; no homozygotes.

Submissions (4):

Ambry Genetics
Classification: Uncertain significance for Familial thoracic aortic aneurysm and aortic dissection. Last evaluated: 2025-08-22. Review status: criteria provided, single submitter. Criteria: Ambry Variant Classification Scheme 2023. Collection method: clinical testing. Allele origin: germline.
Comment: The p.P1591L variant (also known as c.4772C>T), located in coding exon 28 of the FLNA gene, results from a C to T substitution at nucleotide position 4772. The proline at codon 1591 is replaced by leucine, an amino acid with similar properties. This amino acid position is well conserved in available vertebrate species. In addition, the in silico prediction for this alteration is inconclusive. Based on data from gnomAD, the T allele has an overall frequency of 0.0011% (2/179149) total alleles studied, with no hemizygote(s) observed. The highest observed frequency was 0.0082% (1/12218) of African/African American alleles. Based on the available evidence, the clinical significance of this variant remains unclear.

Labcorp Genetics (formerly Invitae), Labcorp
Classification: Benign for Oto-palato-digital syndrome, type II; Heterotopia, periventricular, X-linked dominant; Frontometaphyseal dysplasia; Melnick-Needles syndrome. Last evaluated: 2025-01-15. Review status: criteria provided, single submitter. Criteria: Invitae Variant Classification Sherloc (09022015). Collection method: clinical testing. Allele origin: germline.

Robert's Program, Boston Children's Hospital
Classification: Uncertain significance for Sudden unexplained death in childhood. Last evaluated: 2021-10-01. Review status: criteria provided, single submitter. Criteria: ACMG Guidelines, 2015. Collection method: research. Allele origin: germline. Affected: yes.
Comment: We classify this variant as a variant of uncertain significance using ACMG/AMP criteria. As this variant has been validated in an exome-wide approach, we suspect this variant is favoring pathogenic.

GeneDx
Classification: Uncertain significance. Last evaluated: 2020-06-02. Review status: criteria provided, single submitter. Criteria: GeneDx Variant Classification Process June 2021. Collection method: clinical testing. Allele origin: germline. Affected: yes.
Comment: In silico analysis supports that this missense variant has a deleterious effect on protein structure/function; Has not been previously published as pathogenic or benign to our knowledge